The following is an entry in ClinVar:

NM_000548.5(TSC2):c.4787G>C (p.Gly1596Ala)

Gene: TSC2 (TSC complex subunit 2; plus strand). Cytogenetic location: 16p13.3.
Variant type: single nucleotide variant.
Coding change: c.4787G>C on transcript NM_000548.5 (MANE Select); coding-DNA position 4787, G replaced by C.
Protein change: p.Gly1596Ala; replaces glycine 1596 with alanine.
Molecular consequence: missense variant.
Genome position (GRCh38, 1-based): chr16:2,086,317, G>C. VCF-style: chr16-2086317-G-C. GRCh37 (hg19) VCF-style: chr16-2136318-G-C.
Other names: c.4586G>C, p.Gly1529Ala (NM_001077183.3); c.4718G>C, p.Gly1573Ala (NM_001114382.3); c.4478G>C, p.Gly1493Ala (NM_001318827.2); c.4442G>C, p.Gly1481Ala (NM_001318829.2); c.4055G>C, p.Gly1352Ala (NM_001318831.2); c.4619G>C, p.Gly1540Ala (NM_001318832.2); c.4589G>C, p.Gly1530Ala (NM_001363528.2); c.4655G>C, p.Gly1552Ala (NM_001370404.1); and 1 more; short protein forms G1493A, G1540A, G1481A, G1529A, G1573A, G1530A, G1553A, G1352A.
Identifiers: ClinVar variation 1035667 (VCV001035667.6), dbSNP rs397515014, ClinGen allele CA394307976.

ClinVar aggregate classification (germline): Uncertain significance (1 of 4 stars; one submission).

Conditions:
Tuberous sclerosis 2 (TSC2). Identifiers: Orphanet 805, MedGen C1860707, MONDO:0013199, OMIM 613254.

Submission:

Labcorp Genetics (formerly Invitae), Labcorp
Classification: Uncertain significance for Tuberous sclerosis 2. Last evaluated: 2021-10-31. Review status: criteria provided, single submitter. Criteria: Invitae Variant Classification Sherloc (09022015). Collection method: clinical testing. Allele origin: germline.
Comment: This sequence change replaces glycine, which is neutral and non-polar, with alanine, which is neutral and non-polar, at codon 1596 of the TSC2 protein (p.Gly1596Ala). This variant is not present in population databases (gnomAD no frequency). In summary, the available evidence is currently insufficient to determine the role of this variant in disease. Therefore, it has been classified as a Variant of Uncertain Significance. Advanced modeling of protein sequence and biophysical properties (such as structural, functional, and spatial information, amino acid conservation, physicochemical variation, residue mobility, and thermodynamic stability) performed at Invitae indicates that this missense variant is expected to disrupt TSC2 protein function. ClinVar contains an entry for this variant (Variation ID: 1035667). This variant has not been reported in the literature in individuals affected with TSC2-related conditions.